The following is an entry in ClinVar:

ClinVar aggregate classification (germline): Uncertain significance (1 of 4 stars; one submission).

Conditions:
Hereditary cancer-predisposing syndrome. Also called: Hereditary Cancer Syndrome; Neoplastic Syndromes, Hereditary; Tumor predisposition; Hereditary neoplastic syndrome. Identifiers: Orphanet 140162, MedGen C0027672, MeSH D009386, MONDO:0015356.

Submission:

Ambry Genetics
Classification: Uncertain significance for Hereditary cancer-predisposing syndrome. Last evaluated: 2024-04-17. Review status: criteria provided, single submitter. Criteria: Ambry Variant Classification Scheme 2023. Collection method: clinical testing. Allele origin: germline.
Comment: The p.H163L variant (also known as c.488A>T), located in coding exon 3 of the CHEK2 gene, results from an A to T substitution at nucleotide position 488. The histidine at codon 163 is replaced by leucine, an amino acid with similar properties. This amino acid position is well conserved in available vertebrate species. In addition, the in silico prediction for this alteration is inconclusive. Since supporting evidence is limited at this time, the clinical significance of this alteration remains unclear.

NM_007194.4(CHEK2):c.488A>T (p.His163Leu)

Gene: CHEK2 (checkpoint kinase 2; minus strand). Cytogenetic location: 22q12.1.
Variant type: single nucleotide variant.
Coding change: c.488A>T on transcript NM_007194.4 (MANE Select); coding-DNA position 488, A replaced by T.
Protein change: p.His163Leu; replaces histidine 163 with leucine.
Molecular consequence: missense variant. On other transcripts: 5 prime UTR variant (2), intron variant (1).
Genome position (GRCh38, 1-based): chr22:28,725,081, T>A on the plus strand (A>T on the coding strand, the complement: CHEK2 is on the minus strand). VCF-style: chr22-28725081-T-A. GRCh37 (hg19) VCF-style: chr22-29121069-T-A.
Other names: c.617A>T, p.His206Leu (NM_001005735.3, NM_001438294.1); c.-290A>T (NM_001257387.3); c.-176A>T (NM_001437942.1); c.581A>T, p.His194Leu (NM_001438293.1, NM_001438295.1); c.488A>T, p.His163Leu (NM_145862.3); c.445-158A>T (NM_001349956.3); short protein forms H206L, H163L, H194L.
Identifiers: ClinVar variation 1743842 (VCV001743842.3), dbSNP rs752304641, ClinGen allele CA411107544.
Genomic context (GRCh38, chr22:28,725,081, plus strand): 5'-AAAGGACGGCGTTTTCCTTTCCCTACAAGCTCTGTATTTACAAAGGTTCCATTGCCACTG[T>A]GATCTTCTATGTATGCAATGTAAGAGTTTTTAGGACCCACTTCCTAAAATAGAGAACATT-3'
Protein context (NP_009125.1, residues 153-173): KNSYIAYIED[His163Leu]SGNGTFVNTE